The following is an entry in ClinVar:

NM_000051.4(ATM):c.2082T>C (p.Leu694=)

Gene: ATM (ATM serine/threonine kinase; plus strand). Cytogenetic location: 11q22.3.
Variant type: single nucleotide variant.
Coding change: c.2082T>C on transcript NM_000051.4 (MANE Select); coding-DNA position 2082, T replaced by C.
Protein change: p.Leu694=; no amino-acid change (leucine 694 retained).
Molecular consequence: synonymous variant.
Genome position (GRCh38, 1-based): chr11:108,253,997, T>C. VCF-style: chr11-108253997-T-C. GRCh37 (hg19) VCF-style: chr11-108124724-T-C.
Other names: c.2082T>C, p.Leu694= (NM_001351834.2).
Identifiers: ClinVar variation 231489 (VCV000231489.21), dbSNP rs369642243, ClinGen allele CA6264926.

ClinVar aggregate classification (germline): Benign/Likely benign. Review status: criteria provided, multiple submitters, no conflicts (2 of 4 stars). 8 submissions from 8 submitters: Benign (1); Likely benign (7). Last evaluated 2025-11-10.

Conditions:
Ataxia-telangiectasia syndrome (AT). Also called: Ataxia telangiectasia (A-T); Ataxia-telangiectasia, complementation group E; LOUIS-BAR SYNDROME; Cerebello-oculocutaneous telangiectasia; Immunodeficiency with ataxia telangiectasia; Ataxia-telangiectasia, complementation group D. Identifiers: Orphanet 100, MedGen C0004135, MONDO:0008840, OMIM 208900.
Hereditary cancer-predisposing syndrome. Also called: Hereditary Cancer Syndrome; Neoplastic Syndromes, Hereditary; Tumor predisposition; Hereditary neoplastic syndrome. Identifiers: Orphanet 140162, MedGen C0027672, MeSH D009386, MONDO:0015356.
Familial cancer of breast. Also called: Hereditary breast cancer; hereditary breast carcinoma; BREAST CANCER, FAMILIAL. Identifiers: Orphanet 227535, MedGen C0346153, MONDO:0016419, OMIM 114480. Disease mechanism: loss of function.

Allele frequency attached by ClinVar (database versions not stated): gnomAD exomes 0.00001 and 0.00002; TOPMed 0.00001; ExAC 0.00002; ESP Exome Variant Server 0.00008.
gnomAD v4.1: 20 of 1,614,002 alleles (0.0012%); highest among the groups gnomAD compares: Admixed American, 0.013%; no homozygotes.

Submissions (8):

Labcorp Genetics (formerly Invitae), Labcorp
Classification: Likely benign for Ataxia-telangiectasia syndrome. Last evaluated: 2025-11-10. Review status: criteria provided, single submitter. Criteria: Invitae Variant Classification Sherloc (09022015). Collection method: clinical testing. Allele origin: germline.

Quest Diagnostics Nichols Institute San Juan Capistrano
Classification: Likely benign. Last evaluated: 2025-08-11. Review status: criteria provided, single submitter. Criteria: Quest Diagnostics criteria. Collection method: clinical testing. Allele origin: unknown.

Myriad Genetics, Inc.
Classification: Benign for Familial cancer of breast. Last evaluated: 2024-05-07. Review status: criteria provided, single submitter. Criteria: Myriad Autosomal Dominant, Autosomal Recessive and X-Linked Classification Criteria (2023). Collection method: clinical testing. Allele origin: unknown.
Comment: This variant is considered benign. This variant is a silent/synonymous amino acid change and it is not expected to impact splicing.

Sema4
Classification: Likely benign for Hereditary cancer-predisposing syndrome. Last evaluated: 2021-11-27. Review status: criteria provided, single submitter. Criteria: Sema4 Curation Guidelines. Collection method: curation. Allele origin: germline.

Women's Health and Genetics/Laboratory Corporation of America, LabCorp
Classification: Likely benign. Last evaluated: 2020-08-13. Review status: criteria provided, single submitter. Criteria: LabCorp Variant Classification Summary - May 2015. Collection method: clinical testing. Allele origin: germline.

GeneDx
Classification: Likely benign. Last evaluated: 2020-04-17. Review status: criteria provided, single submitter. Criteria: GeneDx Variant Classification Process June 2021. Collection method: clinical testing. Allele origin: germline. Affected: yes.
Comment: This variant is associated with the following publications: (PMID: 17351744)

Color Diagnostics, LLC DBA Color Health
Classification: Likely benign for Hereditary cancer-predisposing syndrome. Last evaluated: 2015-07-24. Review status: criteria provided, single submitter. Criteria: ACMG Guidelines, 2015. Collection method: clinical testing. Allele origin: germline.

Ambry Genetics
Classification: Likely benign for Hereditary cancer-predisposing syndrome. Last evaluated: 2015-04-22. Review status: criteria provided, single submitter. Criteria: Ambry Variant Classification Scheme 2023. Collection method: clinical testing. Allele origin: germline.

Literature cited by the submitters: PubMed 17351744 (cited by Sema4).